The following is an entry in ClinVar:

NM_012186.3(FOXE3):c.204G>C (p.Gln68His)

Genes: FOXE3 (forkhead box E3; plus strand), LINC01389 (long independently transcribed non-coding RNA 1389; minus strand). Cytogenetic location: 1p33.
Variant type: single nucleotide variant.
Coding change: c.204G>C on transcript NM_012186.3 (MANE Select); coding-DNA position 204, G replaced by C.
Protein change: p.Gln68His; replaces glutamine 68 with histidine.
Molecular consequence: missense variant.
Genome position (GRCh38, 1-based): chr1:47,416,519, G>C. VCF-style: chr1-47416519-G-C. GRCh37 (hg19) VCF-style: chr1-47882191-G-C.
Other names: short protein forms Q68H.
Identifiers: ClinVar variation 938104 (VCV000938104.10), dbSNP rs1646883579, ClinGen allele CA340249234.
Genomic context (GRCh38, chr1:47,416,519, plus strand): 5'-CGGAGAGGCGGCCCCCACGCCCGCGCCCGGCCCGGGGCGGCGGCGGCGGCGGCCCCTGCA[G>C]CGCGGGAAGCCGCCCTACTCGTACATCGCGCTCATCGCCATGGCTCTGGCGCACGCCCCG-3'
Protein context (NP_036318.1, residues 58-78): GPGRRRRRPL[Gln68His]RGKPPYSYIA

ClinVar aggregate classification (germline): Uncertain significance (1 of 4 stars; one submission).

Conditions:
Congenital primary aphakia. Also called: Anterior segment dysgenesis 2, multiple subtypes; ANTERIOR SEGMENT DYSGENESIS 2. Identifiers: Orphanet 83461, MedGen C1853230, MONDO:0012456, OMIM 610256.
Anterior segment dysgenesis. Also called: Ocular anterior segment dysgenesis. Identifiers: Orphanet 88632, MedGen C1862839, MONDO:0019503, HP:0007700.

Allele frequency attached by ClinVar (database versions not stated): gnomAD 0.00001; TOPMed 0.00001.
gnomAD v4.1: 5 of 1,443,586 alleles (0.00035%); highest among the groups gnomAD compares: African/African-American, 0.0045%; no homozygotes.

Submission:

Labcorp Genetics (formerly Invitae), Labcorp
Classification: Uncertain significance for Anterior segment dysgenesis; Congenital primary aphakia. Last evaluated: 2024-11-18. Review status: criteria provided, single submitter. Criteria: Invitae Variant Classification Sherloc (09022015). Collection method: clinical testing. Allele origin: germline.
Comment: This sequence change replaces glutamine, which is neutral and polar, with histidine, which is basic and polar, at codon 68 of the FOXE3 protein (p.Gln68His). This variant is not present in population databases (gnomAD no frequency). This variant has not been reported in the literature in individuals affected with FOXE3-related conditions. ClinVar contains an entry for this variant (Variation ID: 938104). Invitae Evidence Modeling of protein sequence and biophysical properties (such as structural, functional, and spatial information, amino acid conservation, physicochemical variation, residue mobility, and thermodynamic stability) has been performed for this missense variant. However, the output from this modeling did not meet the statistical confidence thresholds required to predict the impact of this variant on FOXE3 protein function. In summary, the available evidence is currently insufficient to determine the role of this variant in disease. Therefore, it has been classified as a Variant of Uncertain Significance.